The following is an entry in ClinVar:

NM_006420.3(ARFGEF2):c.908-280G>A

Gene: ARFGEF2 (ARF guanine nucleotide exchange factor 2; plus strand). Cytogenetic location: 20q13.13.
Variant type: single nucleotide variant.
Coding change: c.908-280G>A on transcript NM_006420.3 (MANE Select); 280 bases into the intron before coding-DNA position 908, G replaced by A.
Molecular consequence: intron variant.
Genome position (GRCh38, 1-based): chr20:48,965,592, G>A. VCF-style: chr20-48965592-G-A. GRCh37 (hg19) VCF-style: chr20-47582129-G-A.
Identifiers: ClinVar variation 669387 (VCV000669387.1), dbSNP rs2295024, ClinGen allele CA15977523.
Genomic context (GRCh38, chr20:48,965,592, plus strand): 5'-CTGTACCTTTCATGTTTAGCTGCTTCTAATCTTTTTCAAAAGTGAATGGGGGTGGGTAGG[G>A]CTGCTGCATTGCACAGTTCTGGAGGCACCATTGATCTGGAGAGAATTGTATATTGCTGTG-3'

ClinVar aggregate classification (germline): Benign (1 of 4 stars; one submission).

Allele frequency attached by ClinVar (database versions not stated): gnomAD 0.23514 and 0.24385; TOPMed 0.24688; 1000 Genomes Project 30x 0.28732; 1000 Genomes Project 0.29073.
gnomAD v4.1: 37,053 of 152,070 alleles (24%); highest among the groups gnomAD compares: East Asian, 47%; 5,150 homozygotes.

Submission:

GeneDx
Classification: Benign. Last evaluated: 2018-06-14. Review status: criteria provided, single submitter. Criteria: GeneDx Variant Classification (06012015). Collection method: clinical testing. Allele origin: germline. Affected: yes.
Comment: This variant is considered likely benign or benign based on one or more of the following criteria: it is a conservative change, it occurs at a poorly conserved position in the protein, it is predicted to be benign by multiple in silico algorithms, and/or has population frequency not consistent with disease.